The following is an entry in ClinVar:

NM_033380.3(COL4A5):c.2286A>G (p.Pro762=)

Gene: COL4A5 (collagen type IV alpha 5 chain; plus strand). Cytogenetic location: Xq22.3.
Variant type: single nucleotide variant.
Coding change: c.2286A>G on transcript NM_033380.3 (MANE Select); coding-DNA position 2286, A replaced by G.
Protein change: p.Pro762=; no amino-acid change (proline 762 retained).
Molecular consequence: synonymous variant.
Genome position (GRCh38, 1-based): chrX:108,606,783, A>G. VCF-style: chrX-108606783-A-G. GRCh37 (hg19) VCF-style: chrX-107850013-A-G.
Other names: c.2286A>G (NM_000495.4); c.2286A>G, p.Pro762= (NM_000495.5).
Identifiers: ClinVar variation 930122 (VCV000930122.17), dbSNP rs369726425, ClinGen allele CA10488885.
Genomic context (GRCh38, chrX:108,606,783, plus strand): 5'-TGTCATGTGTATGCTCAAGGGTGAACCAGGATTTGCATTACCTGGGCCACCTGGGCCACC[A>G]GGACTTCCAGGTTTCAAAGGAGCACTTGGTCCAAAAGGTGATCGTGGTTTCCCAGGACCT-3'
Protein context (NP_203699.1, residues 752-772): GFALPGPPGP[Pro762=]GLPGFKGALG

ClinVar aggregate classification (germline): Conflicting classifications of pathogenicity. Review status: criteria provided, conflicting classifications (1 of 4 stars). 5 submissions from 5 submitters: Uncertain significance (1); Benign (1); Likely benign (3). Last evaluated 2026-07-28.

Conditions:
COL4A5-related disorder. Also called: COL4A5-related condition.

Allele frequency attached by ClinVar (database versions not stated): ExAC 0.00001; gnomAD exomes 0.00003; gnomAD 0.00007 and 0.00008; TOPMed 0.00007; ESP Exome Variant Server 0.00019.
gnomAD v4.1: 53 of 1,209,678 alleles (0.0044%); highest among the groups gnomAD compares: Non-Finnish European, 0.0056%; no homozygotes.

Submissions (5):

PreventionGenetics, part of Exact Sciences
Classification: Likely benign for COL4A5-related condition. Last evaluated: 2026-07-28. Review status: criteria provided, single submitter. Criteria: ACMG Guidelines, 2015. Collection method: clinical testing. Allele origin: germline.
Comment: This variant is classified as likely benign based on ACMG/AMP sequence variant interpretation guidelines (Richards et al. 2015 PMID: 25741868, with internal and published modifications).

Women's Health and Genetics/Laboratory Corporation of America, LabCorp
Classification: Likely benign. Last evaluated: 2025-11-03. Review status: criteria provided, single submitter. Criteria: LabCorp Variant Classification Summary - May 2015. Collection method: clinical testing. Allele origin: germline.

Labcorp Genetics (formerly Invitae), Labcorp
Classification: Benign. Last evaluated: 2024-03-17. Review status: criteria provided, single submitter. Criteria: Invitae Variant Classification Sherloc (09022015). Collection method: clinical testing. Allele origin: germline.

GeneDx
Classification: Uncertain significance. Last evaluated: 2019-05-01. Review status: criteria provided, single submitter. Criteria: GeneDx Variant Classification Process June 2021. Collection method: clinical testing. Allele origin: germline. Affected: yes.
Comment: In-silico analysis, which includes splice predictors and evolutionary conservation, is inconclusive as to whether the variant alters gene splicing. In the absence of RNA/functional studies, the actual effect of this sequence change is unknown.; Has not been previously published as pathogenic or benign to our knowledge

Laboratory for Molecular Medicine, Mass General Brigham Personalized Medicine
Classification: Likely benign. Last evaluated: 2017-08-23. Review status: criteria provided, single submitter. Criteria: LMM Criteria. Collection method: clinical testing. Allele origin: germline. Observed: 1 variant allele.
Comment: p.Pro762Pro in exon 29 of COL4A5: This variant is not expected to have clinical significance because it does not alter an amino acid residue and is not located within the splice consensus sequence. It has been identified in 1/47978 European chromosomes by the Exome Aggregation Consortium (ExAC; dbSNP rs369726425).